The following is an entry in ClinVar:

NM_025114.4(CEP290):c.103-30_103-24del

Gene: CEP290 (centrosomal protein 290; minus strand). Cytogenetic location: 12q21.32.
Variant type: Microsatellite.
Coding change: c.103-30_103-24del on transcript NM_025114.4 (MANE Select); 30 bases into the intron before coding-DNA position 103 through 24 bases into the intron before coding-DNA position 103, 7 bases deleted (TATAAAA; older notation c.103-30_103-24delTATAAAA).
Molecular consequence: intron variant.
Genome position (GRCh38, 1-based): chr12:88,141,057-88,141,063, TTTTATA deleted on the plus strand (TATAAAA on the coding strand, the reverse complement: CEP290 is on the minus strand); deleting any 7 consecutive bases within chr12:88,141,057-88,141,070 gives the same sequence; the c. name uses the placement nearest the transcript's 3' end. VCF-style (leftmost placement, unchanged base first): chr12-88141056-GTTTTATA-G. GRCh37 (hg19) VCF-style: chr12-88534833-GTTTTATA-G.
Identifiers: ClinVar variation 3036026 (VCV003036026.2), dbSNP rs2501854888, ClinGen allele CA2740092536.
Genomic context (GRCh38, chr12:88,141,056, plus strand): 5'-TTTTCTTGCTTTTCACTTTTTAGCTCATTTACTTCCACCTAAGTAAACAGAAAAGCAACT[GTTTTATA>G]TTTTATAACCTTCAAGCAAAATATAAGAACACTTCCAGATTGTGACAATTATAGTTGTCC-3'

ClinVar aggregate classification (germline): Likely benign (0 of 4 stars; one submission).

Conditions:
CEP290-related disorder. Also called: CEP290-related condition; CEP290-related disorders. Identifiers: MedGen CN239314.

Submission:

PreventionGenetics, part of Exact Sciences
Classification: Likely benign for CEP290-related condition. Last evaluated: 2020-07-07. Review status: no assertion criteria provided. Collection method: clinical testing. Allele origin: germline.
Comment: This variant is classified as likely benign based on ACMG/AMP sequence variant interpretation guidelines (Richards et al. 2015 PMID: 25741868, with internal and published modifications).